The following is an entry in ClinVar:

ClinVar aggregate classification (germline): Conflicting classifications of pathogenicity. Review status: criteria provided, conflicting classifications (1 of 4 stars). 2 submissions from 2 submitters: Uncertain significance (1); Likely benign (1). Last evaluated 2026-01-09.

Conditions:
Genitopatellar syndrome (GTPTS). Also called: ABSENT PATELLAE, SCROTAL HYPOPLASIA, RENAL ANOMALIES, FACIAL DYSMORPHISM, AND MENTAL RETARDATION; Genitopatellar syndrome (GPS). Identifiers: Orphanet 85201, MedGen C1853566, MONDO:0011640, OMIM 606170.

gnomAD v4.1: 13 of 1,578,176 alleles (0.00082%); highest among the groups gnomAD compares: East Asian, 0.027%; no homozygotes.

Submissions (2):

Labcorp Genetics (formerly Invitae), Labcorp
Classification: Uncertain significance for Genitopatellar syndrome. Last evaluated: 2026-01-09. Review status: criteria provided, single submitter. Criteria: Invitae Variant Classification Sherloc (09022015). Collection method: clinical testing. Allele origin: germline.
Comment: This sequence change replaces methionine, which is neutral and non-polar, with leucine, which is neutral and non-polar, at codon 311 of the KAT6B protein (p.Met311Leu). This variant is present in population databases (rs757298104, gnomAD 0.02%). This variant has not been reported in the literature in individuals affected with KAT6B-related conditions. ClinVar contains an entry for this variant (Variation ID: 3634939). An algorithm developed to predict the effect of missense changes on protein structure and function (PolyPhen-2) suggests that this variant is likely to be disruptive. In summary, the available evidence is currently insufficient to determine the role of this variant in disease. Therefore, it has been classified as a Variant of Uncertain Significance.

Blueprint Genetics
Classification: Likely benign. Last evaluated: 2021-07-09. Review status: criteria provided, single submitter. Criteria: ACMG Guidelines, 2015. Collection method: clinical testing. Allele origin: germline.

NM_012330.4(KAT6B):c.931A>T (p.Met311Leu)

Gene: KAT6B (lysine acetyltransferase 6B; plus strand). Cytogenetic location: 10q22.2.
Variant type: single nucleotide variant.
Coding change: c.931A>T on transcript NM_012330.4 (MANE Select); coding-DNA position 931, A replaced by T.
Protein change: p.Met311Leu; replaces methionine 311 with leucine.
Molecular consequence: missense variant. On other transcripts: intron variant (5).
Genome position (GRCh38, 1-based): chr10:74,972,509, A>T. VCF-style: chr10-74972509-A-T. GRCh37 (hg19) VCF-style: chr10-76732267-A-T.
Other names: c.931A>T, p.Met311Leu (NM_001256468.2, NM_001256469.2, NM_001370132.1 and 7 more transcripts); c.846+2734A>T (NM_001370133.1); c.193-6715A>T (NM_001370134.1); c.928+2408A>T (NM_001370143.1, NM_001370144.1); c.192+12431A>T (NM_001370135.1); short protein forms M311L.
Identifiers: ClinVar variation 3634939 (VCV003634939.3).
Genomic context (GRCh38, chr10:74,972,509, plus strand): 5'-AATATCTTCTCTTAAAATGAAACATTAAAATATTTTTCTCATATATATATTAATTCAGGG[A>T]TGTGGATTTGCCAAGTCTGCAGACCAAAGAAAAAGGGAAGAAAACTACTTCATGAGAAAG-3'
Protein context (NP_036462.2, residues 301-321): DPPLSRMPKG[Met311Leu]WICQVCRPKK